The following is an entry in ClinVar:

NM_006361.6(HOXB13):c.94C>T (p.Pro32Ser)

Gene: HOXB13 (homeobox B13; minus strand). Cytogenetic location: 17q21.32.
Variant type: single nucleotide variant.
Coding change: c.94C>T on transcript NM_006361.6 (MANE Select); coding-DNA position 94, C replaced by T.
Protein change: p.Pro32Ser; replaces proline 32 with serine.
Molecular consequence: missense variant.
Genome position (GRCh38, 1-based): chr17:48,728,500, G>A on the plus strand (C>T on the coding strand, the complement: HOXB13 is on the minus strand). VCF-style: chr17-48728500-G-A. GRCh37 (hg19) VCF-style: chr17-46805862-G-A.
Other names: short protein forms P32S.
Identifiers: ClinVar variation 690982 (VCV000690982.12), dbSNP rs1597935135, ClinGen allele CA400109417.

ClinVar aggregate classification (germline): Uncertain significance. Review status: criteria provided, multiple submitters, no conflicts (2 of 4 stars). 4 submissions from 4 submitters: Uncertain significance (3). 1 of the submissions does not count toward it. Last evaluated 2025-07-30.

Conditions:
Prostate cancer, hereditary, 1 (HPC1). Identifiers: Orphanet 1331, MedGen C4722327, MONDO:0011098, OMIM 601518.
Hereditary cancer-predisposing syndrome. Also called: Neoplastic Syndromes, Hereditary; Tumor predisposition; Hereditary neoplastic syndrome; Hereditary Cancer Syndrome. Identifiers: Orphanet 140162, MedGen C0027672, MeSH D009386, MONDO:0015356.

Allele frequency attached by ClinVar (database versions not stated): TOPMed below 0.00001; gnomAD 0.00001.
gnomAD v4.1: 1 of 1,613,374 alleles (0.000062%); highest among the groups gnomAD compares: African/African-American, 0.0013%; no homozygotes.

Submissions (4):

Labcorp Genetics (formerly Invitae), Labcorp
Classification: Uncertain significance. Last evaluated: 2025-07-30. Review status: criteria provided, single submitter. Criteria: Invitae Variant Classification Sherloc (09022015). Collection method: clinical testing. Allele origin: germline.
Comment: This sequence change replaces proline, which is neutral and non-polar, with serine, which is neutral and polar, at codon 32 of the HOXB13 protein (p.Pro32Ser). This variant is not present in population databases (gnomAD no frequency). This variant has not been reported in the literature in individuals affected with HOXB13-related conditions. ClinVar contains an entry for this variant (Variation ID: 690982). An algorithm developed to predict the effect of missense changes on protein structure and function outputs the following: PolyPhen-2: "Benign". The serine amino acid residue is found in multiple mammalian species, which suggests that this missense change does not adversely affect protein function. In summary, the available evidence is currently insufficient to determine the role of this variant in disease. Therefore, it has been classified as a Variant of Uncertain Significance.

Quest Diagnostics Nichols Institute San Juan Capistrano
Classification: Uncertain significance. Last evaluated: 2023-06-01. Review status: criteria provided, single submitter. Criteria: Quest Diagnostics criteria. Collection method: clinical testing. Allele origin: unknown.
Comment: This variant has not been reported in individuals with HOXB13-related conditions in the published literature. The frequency of this variant in the general population, 0.0000066 (1/152228 chromosomes (Genome Aggregation Database)), is uninformative in the assessment of its pathogenicity. Analysis of this variant using bioinformatics tools for the prediction of the effect of amino acid changes on protein structure and function yielded predictions that this variant is benign. Based on the available information, we are unable to determine the clinical significance of this variant.

Ambry Genetics
Classification: Uncertain significance for Hereditary cancer-predisposing syndrome. Last evaluated: 2023-04-08. Review status: criteria provided, single submitter. Criteria: Ambry Variant Classification Scheme 2023. Collection method: clinical testing. Allele origin: germline.
Comment: The p.P32S variant (also known as c.94C>T), located in coding exon 1 of the HOXB13 gene, results from a C to T substitution at nucleotide position 94. The proline at codon 32 is replaced by serine, an amino acid with similar properties. This amino acid position is conserved. In addition, this alteration is predicted to be tolerated by in silico analysis. Since supporting evidence is limited at this time, the clinical significance of this alteration remains unclear.

Laboratory of Virology, Microbiology,  Quality and Medical Biotechnologies, Faculty of Sciences and Techniques - Mohammedia, Hassan II University of Casablanca
Classification: Uncertain significance for Prostate cancer, hereditary, 1. Review status: no assertion criteria provided. Collection method: clinical testing. Allele origin: somatic. Affected: yes. Not counted in ClinVar's aggregate classification.